The following is an entry in ClinVar:

NM_032043.3(BRIP1):c.2773G>A (p.Ala925Thr)

Gene: BRIP1 (BRCA1 interacting DNA helicase 1; minus strand). Cytogenetic location: 17q23.2.
Variant type: single nucleotide variant.
Coding change: c.2773G>A on transcript NM_032043.3 (MANE Select); coding-DNA position 2773, G replaced by A.
Protein change: p.Ala925Thr; replaces alanine 925 with threonine.
Molecular consequence: missense variant.
Genome position (GRCh38, 1-based): chr17:61,685,968, C>T on the plus strand (G>A on the coding strand, the complement: BRIP1 is on the minus strand). VCF-style: chr17-61685968-C-T. GRCh37 (hg19) VCF-style: chr17-59763329-C-T.
Other names: short protein forms A925T.
Identifiers: ClinVar variation 851379 (VCV000851379.14), dbSNP rs2061355245, ClinGen allele CA400481563.

ClinVar aggregate classification (germline): Uncertain significance. Review status: criteria provided, multiple submitters, no conflicts (2 of 4 stars). 2 submissions from 2 submitters: Uncertain significance (2). Last evaluated 2022-11-18.

Conditions:
Familial cancer of breast. Also called: hereditary breast carcinoma; BREAST CANCER, FAMILIAL; Hereditary breast cancer. Identifiers: Orphanet 227535, MedGen C0346153, MONDO:0016419, OMIM 114480. Disease mechanism: loss of function.
Fanconi anemia complementation group J. Also called: BRIP1-Related Fanconi Anemia. Identifiers: Orphanet 84, MedGen C1836860, MONDO:0012187, OMIM 609054.
Hereditary cancer-predisposing syndrome. Also called: Neoplastic Syndromes, Hereditary; Hereditary Cancer Syndrome; Hereditary neoplastic syndrome; Tumor predisposition. Identifiers: Orphanet 140162, MedGen C0027672, MeSH D009386, MONDO:0015356.

Submissions (2):

Ambry Genetics
Classification: Uncertain significance for Hereditary cancer-predisposing syndrome. Last evaluated: 2022-11-18. Review status: criteria provided, single submitter. Criteria: Ambry Variant Classification Scheme 2023. Collection method: clinical testing. Allele origin: germline.
Comment: The p.A925T variant (also known as c.2773G>A), located in coding exon 18 of the BRIP1 gene, results from a G to A substitution at nucleotide position 2773. The alanine at codon 925 is replaced by threonine, an amino acid with similar properties. This amino acid position is not well conserved in available vertebrate species. In addition, this alteration is predicted to be tolerated by in silico analysis. Since supporting evidence is limited at this time, the clinical significance of p.A925T remains unclear.

Labcorp Genetics (formerly Invitae), Labcorp
Classification: Uncertain significance for Familial cancer of breast; Fanconi anemia complementation group J. Last evaluated: 2019-12-19. Review status: criteria provided, single submitter. Criteria: Invitae Variant Classification Sherloc (09022015). Collection method: clinical testing. Allele origin: germline.
Comment: In summary, the available evidence is currently insufficient to determine the role of this variant in disease. Therefore, it has been classified as a Variant of Uncertain Significance. Algorithms developed to predict the effect of missense changes on protein structure and function output the following: SIFT: "Tolerated"; PolyPhen-2: "Benign"; Align-GVGD: "Class C0". The threonine amino acid residue is found in multiple mammalian species, suggesting that this missense change does not adversely affect protein function. These predictions have not been confirmed by published functional studies and their clinical significance is uncertain. This variant has not been reported in the literature in individuals with BRIP1-related conditions. This variant is not present in population databases (ExAC no frequency). This sequence change replaces alanine with threonine at codon 925 of the BRIP1 protein (p.Ala925Thr). The alanine residue is weakly conserved and there is a small physicochemical difference between alanine and threonine.